The following is an entry in ClinVar:

ClinVar aggregate classification (germline): Pathogenic (1 of 4 stars; one submission).

Conditions:
Mendelian susceptibility to mycobacterial diseases due to complete IL12RB1 deficiency. Also called: IL12RB1 DEFICIENCY; Immunodeficiency 30. Identifiers: Orphanet 319552, MedGen C4013949, MONDO:0013955, OMIM 614891.

Submission:

Labcorp Genetics (formerly Invitae), Labcorp
Classification: Pathogenic for Mendelian susceptibility to mycobacterial diseases due to complete IL12RB1 deficiency. Last evaluated: 2025-02-20. Review status: criteria provided, single submitter. Criteria: Invitae Variant Classification Sherloc (09022015). Collection method: clinical testing. Allele origin: germline.
Comment: This sequence change creates a premature translational stop signal (p.Gln154Argfs*49) in the IL12RB1 gene. It is expected to result in an absent or disrupted protein product. Loss-of-function variants in IL12RB1 are known to be pathogenic (PMID: 9603733, 12591909). This variant is not present in population databases (gnomAD no frequency). This variant has not been reported in the literature in individuals affected with IL12RB1-related conditions. For these reasons, this variant has been classified as Pathogenic.

Literature cited by the submitters: PubMed 9603733; PubMed 12591909.

NM_005535.3(IL12RB1):c.461del (p.Gln154fs)

Gene: IL12RB1 (interleukin 12 receptor subunit beta 1; minus strand). Cytogenetic location: 19p13.11.
Variant type: Deletion.
Coding change: c.461del on transcript NM_005535.3 (MANE Select); coding-DNA position 461, one base deleted (A; older notation c.461delA).
Protein change: p.Gln154fs; shifts the reading frame from glutamine 154.
Molecular consequence: frameshift variant.
Genome position (GRCh38, 1-based): chr19:18,077,604, T deleted on the plus strand (A on the coding strand, the reverse complement: IL12RB1 is on the minus strand). VCF-style (leftmost placement, unchanged base first): chr19-18077603-CT-C. GRCh37 (hg19) VCF-style: chr19-18188413-CT-C.
Other names: c.461del, p.Gln154fs (NM_001290023.2, NM_001440424.1, NM_001440425.1 and 1 more transcripts); c.581del, p.Gln194fs (NM_001290024.2, NM_001440426.1, NM_001440427.1); short protein forms Q154fs, Q194fs.
Identifiers: ClinVar variation 4713548 (VCV004713548.1).
Genomic context (GRCh38, chr19:18,077,603, plus strand): 5'-GTGCCGGAACTGCACCTCAGCACCAACCTGGTTATCCGGGGTCTCCCACTCCATACGCAG[CT>C]GCCCGGCCAACTTGGACACCTTGATGTCTCCCAGAGGAGGCTCATATTTAACTGGAAGCA-3'